The following is an entry in ClinVar:

ClinVar aggregate classification (germline): Likely benign. Review status: criteria provided, multiple submitters, no conflicts (2 of 4 stars). 3 submissions from 3 submitters: Likely benign (2). 1 of the submissions does not count toward it. Last evaluated 2025-08-09.

Conditions:
DNAH9-related disorder. Also called: DNAH9-related condition.

Allele frequency attached by ClinVar (database versions not stated): gnomAD exomes 0.00005 and 0.00007; ExAC 0.00006; gnomAD 0.00009 and 0.00011; TOPMed 0.00010.
gnomAD v4.1: 91 of 1,613,960 alleles (0.0056%); highest among the groups gnomAD compares: South Asian, 0.042%; 1 homozygote.

Submissions (3):

Labcorp Genetics (formerly Invitae), Labcorp
Classification: Likely benign. Last evaluated: 2025-08-09. Review status: criteria provided, single submitter. Criteria: Invitae Variant Classification Sherloc (09022015). Collection method: clinical testing. Allele origin: germline.

Blueprint Genetics
Classification: Likely benign. Last evaluated: 2024-08-09. Review status: criteria provided, single submitter. Criteria: ACMG Guidelines, 2015. Collection method: clinical testing. Allele origin: germline.

PreventionGenetics, part of Exact Sciences
Classification: Likely benign for DNAH9-related condition. Last evaluated: 2024-05-19. Review status: no assertion criteria provided. Collection method: clinical testing. Allele origin: germline. Not counted in ClinVar's aggregate classification.
Comment: This variant is classified as likely benign based on ACMG/AMP sequence variant interpretation guidelines (Richards et al. 2015 PMID: 25741868, with internal and published modifications).

NM_001372.4(DNAH9):c.7146C>T (p.Phe2382=)

Gene: DNAH9 (dynein axonemal heavy chain 9; plus strand). Cytogenetic location: 17p12.
Variant type: single nucleotide variant.
Coding change: c.7146C>T on transcript NM_001372.4 (MANE Select); coding-DNA position 7146, C replaced by T.
Protein change: p.Phe2382=; no amino-acid change (phenylalanine 2382 retained).
Molecular consequence: synonymous variant.
Genome position (GRCh38, 1-based): chr17:11,763,590, C>T. VCF-style: chr17-11763590-C-T. GRCh37 (hg19) VCF-style: chr17-11666907-C-T.
Other names: c.7146C>T (NM_001372.3).
Identifiers: ClinVar variation 1553047 (VCV001553047.10), dbSNP rs770011146, ClinGen allele CA8396521.